The following is an entry in ClinVar:

NM_032447.5(FBN3):c.4487C>T (p.Thr1496Met)

Gene: FBN3 (fibrillin 3; minus strand). Cytogenetic location: 19p13.2.
Variant type: single nucleotide variant.
Coding change: c.4487C>T on transcript NM_032447.5 (MANE Select); coding-DNA position 4487, C replaced by T.
Protein change: p.Thr1496Met; replaces threonine 1496 with methionine.
Molecular consequence: missense variant.
Genome position (GRCh38, 1-based): chr19:8,109,358, G>A on the plus strand (C>T on the coding strand, the complement: FBN3 is on the minus strand). VCF-style: chr19-8109358-G-A. GRCh37 (hg19) VCF-style: chr19-8174242-G-A.
Other names: c.4487C>T, p.Thr1496Met (NM_001321431.2); short protein forms T1496M.
Identifiers: ClinVar variation 3608256 (VCV003608256.2).

ClinVar aggregate classification (germline): Uncertain significance (1 of 4 stars; one submission).

gnomAD v4.1: 17 of 1,614,050 alleles (0.0011%); highest among the groups gnomAD compares: Non-Finnish European, 0.0014%; no homozygotes.

Submission:

Labcorp Genetics (formerly Invitae), Labcorp
Classification: Uncertain significance. Last evaluated: 2024-04-16. Review status: criteria provided, single submitter. Criteria: Invitae Variant Classification Sherloc (09022015). Collection method: clinical testing. Allele origin: germline.
Comment: This sequence change replaces threonine, which is neutral and polar, with methionine, which is neutral and non-polar, at codon 1496 of the FBN3 protein (p.Thr1496Met). This variant is present in population databases (rs746921717, gnomAD 0.0009%). This variant has not been reported in the literature in individuals affected with FBN3-related conditions. Advanced modeling of protein sequence and biophysical properties (such as structural, functional, and spatial information, amino acid conservation, physicochemical variation, residue mobility, and thermodynamic stability) performed at Invitae indicates that this missense variant is not expected to disrupt FBN3 protein function with a negative predictive value of 80%. In summary, the available evidence is currently insufficient to determine the role of this variant in disease. Therefore, it has been classified as a Variant of Uncertain Significance.